The following is an entry in ClinVar:

ClinVar aggregate classification (germline): Pathogenic (1 of 4 stars; one submission).

Submission:

Labcorp Genetics (formerly Invitae), Labcorp
Classification: Pathogenic. Last evaluated: 2021-08-12. Review status: criteria provided, single submitter. Criteria: Invitae Variant Classification Sherloc (09022015). Collection method: clinical testing. Allele origin: germline.
Comment: This variant is a gross deletion of the genomic region encompassing exon(s) 4 of the PHEX gene. This variant would be expected to be in-frame, preserving the integrity of the reading frame. A similar copy number variant has been observed in individual(s) with a PHEX-related condition (Invitae). This variant disrupts the p.Arg141 amino acid residue in PHEX. Other variant(s) that disrupt this residue have been determined to be pathogenic (PMID: 26894575). This suggests that this residue is clinically significant, and that variants that disrupt this residue are likely to be disease-causing. For these reasons, this variant has been classified as Pathogenic.

Literature cited by the submitters: PubMed 26894575.

NC_000023.11:g.(?_22076388)_(22076474_?)del

Gene: PHEX (phosphate regulating endopeptidase X-linked; plus strand). Cytogenetic location: Xp22.11.
Variant type: Deletion.
Identifiers: ClinVar variation 832297 (VCV000832297.6).